The following is an entry in ClinVar:

NM_006231.4(POLE):c.46G>C (p.Asp16His)

Genes: POLE (DNA polymerase epsilon, catalytic subunit; minus strand), LOC130009266 (ATAC-STARR-seq lymphoblastoid silent region 5123; plus strand). Cytogenetic location: 12q24.33.
Variant type: single nucleotide variant.
Coding change: c.46G>C on transcript NM_006231.4 (MANE Select); coding-DNA position 46, G replaced by C.
Protein change: p.Asp16His; replaces aspartic acid 16 with histidine.
Molecular consequence: missense variant.
Genome position (GRCh38, 1-based): chr12:132,687,270, C>G on the plus strand (G>C on the coding strand, the complement: POLE is on the minus strand). VCF-style: chr12-132687270-C-G. GRCh37 (hg19) VCF-style: chr12-133263856-C-G.
Other names: c.46G>C (NM_006231.2); short protein forms D16H.
Identifiers: ClinVar variation 540779 (VCV000540779.10), dbSNP rs1241114520, ClinGen allele CA387373364.

ClinVar aggregate classification (germline): Uncertain significance. Review status: criteria provided, multiple submitters, no conflicts (2 of 4 stars). 2 submissions from 2 submitters: Uncertain significance (2). Last evaluated 2024-07-06.

Conditions:
Hereditary cancer-predisposing syndrome. Also called: Neoplastic Syndromes, Hereditary; Hereditary Cancer Syndrome; Hereditary neoplastic syndrome; Tumor predisposition. Identifiers: Orphanet 140162, MedGen C0027672, MeSH D009386, MONDO:0015356.

Allele frequency attached by ClinVar (database versions not stated): gnomAD 0.00003.

Submissions (2):

Ambry Genetics
Classification: Uncertain significance for Hereditary cancer-predisposing syndrome. Last evaluated: 2024-07-06. Review status: criteria provided, single submitter. Criteria: Ambry Variant Classification Scheme 2023. Collection method: clinical testing. Allele origin: germline.
Comment: The p.D16H variant (also known as c.46G>C), located in coding exon 1 of the POLE gene, results from a G to C substitution at nucleotide position 46. The aspartic acid at codon 16 is replaced by histidine, an amino acid with similar properties. This amino acid position is conserved. In addition, this alteration is predicted to be tolerated by in silico analysis. Based on the available evidence, the clinical significance of this variant remains unclear.

Labcorp Genetics (formerly Invitae), Labcorp
Classification: Uncertain significance. Last evaluated: 2017-09-02. Review status: criteria provided, single submitter. Criteria: Invitae Variant Classification Sherloc (09022015). Collection method: clinical testing. Allele origin: germline.
Comment: In summary, the available evidence is currently insufficient to determine the role of this variant in disease. Therefore, it has been classified as a Variant of Uncertain Significance. Algorithms developed to predict the effect of missense changes on protein structure and function (SIFT, PolyPhen-2, Align-GVGD) all suggest that this variant is likely to be tolerated, but these predictions have not been confirmed by published functional studies and their clinical significance is uncertain. This variant has not been reported in the literature in individuals with POLE-related disease. While this variant is not present in population databases, the frequency information is unreliable, as metrics indicate poor data quality at this position in the ExAC database. This sequence change replaces aspartic acid with histidine at codon 16 of the POLE protein (p.Asp16His). The aspartic acid residue is weakly conserved and there is a moderate physicochemical difference between aspartic acid and histidine.